The following is an entry in ClinVar:

ClinVar aggregate classification (germline): Benign (1 of 4 stars; one submission).

Conditions:
Cataract 5 multiple types (CTRCT5). Also called: CATARACT 5, LAMELLAR; Lamellar cataract; CATARACT, MARNER TYPE. Identifiers: Orphanet 91492, MedGen C0266537, MONDO:0007290, OMIM 116800, HP:0007971.

Allele frequency attached by ClinVar (database versions not stated): TOPMed 0.00010.
gnomAD v4.1: 248 of 1,613,008 alleles (0.015%); highest among the groups gnomAD compares: Non-Finnish European, 0.02%; 1 homozygote.

Submission:

Illumina Laboratory Services, Illumina
Classification: Benign for Cataract 5 multiple types. Last evaluated: 2018-01-13. Review status: criteria provided, single submitter. Criteria: ICSL Variant Classification Criteria 13 December 2019. Collection method: clinical testing. Allele origin: germline.
Comment: This variant was observed in the ICSL laboratory as part of a predisposition screen in an ostensibly healthy population. It had not been previously curated by ICSL or reported in the Human Gene Mutation Database (HGMD: prior to June 1st, 2018), and was therefore a candidate for classification through an automated scoring system. Utilizing variant allele frequency, disease prevalence and penetrance estimates, and inheritance mode, an automated score was calculated to assess if this variant is too frequent to cause the disease. Based on the score and internal cut-off values, a variant classified as benign is not then subjected to further curation. The score for this variant resulted in a classification of benign for this disease.

NM_001374675.1(HSF4):c.1475C>A (p.Pro492His)

Gene: HSF4 (heat shock transcription factor 4; plus strand). Cytogenetic location: 16q22.1.
Variant type: single nucleotide variant.
Coding change: c.1475C>A on transcript NM_001374675.1 (MANE Select); coding-DNA position 1475, C replaced by A.
Protein change: p.Pro492His; replaces proline 492 with histidine.
Molecular consequence: missense variant.
Genome position (GRCh38, 1-based): chr16:67,169,781, C>A. VCF-style: chr16-67169781-C-A. GRCh37 (hg19) VCF-style: chr16-67203684-C-A.
Other names: c.1475C>A, p.Pro492His (NM_001040667.3); c.1385C>A, p.Pro462His (NM_001374674.1, NM_001538.4); short protein forms P492H, P462H.
Identifiers: ClinVar variation 886551 (VCV000886551.4), dbSNP rs182365484, ClinGen allele CA8102203.